The following is an entry in ClinVar:

ClinVar aggregate classification (germline): Conflicting classifications of pathogenicity. Review status: criteria provided, conflicting classifications (1 of 4 stars). 3 submissions from 3 submitters: Uncertain significance (1); Benign (1). 1 of the submissions does not count toward it. Last evaluated 2024-10-30.

Conditions:
Inborn genetic diseases. Identifiers: MedGen C0950123, MeSH D030342.
NEDD4L-related disorder. Also called: NEDD4L-related condition.

Allele frequency attached by ClinVar (database versions not stated): gnomAD exomes below 0.00001.

Submissions (3):

Labcorp Genetics (formerly Invitae), Labcorp
Classification: Benign. Last evaluated: 2024-10-30. Review status: criteria provided, single submitter. Criteria: Invitae Variant Classification Sherloc (09022015). Collection method: clinical testing. Allele origin: germline.

Ambry Genetics
Classification: Uncertain significance for Inborn genetic diseases. Last evaluated: 2024-04-01. Review status: criteria provided, single submitter. Criteria: Ambry Variant Classification Scheme 2023. Collection method: clinical testing. Allele origin: germline.

PreventionGenetics, part of Exact Sciences
Classification: Uncertain significance for NEDD4L-related condition. Last evaluated: 2023-10-24. Review status: no assertion criteria provided. Collection method: clinical testing. Allele origin: germline. Not counted in ClinVar's aggregate classification.
Comment: The NEDD4L c.450G>T variant is predicted to result in the amino acid substitution p.Met150Ile. To our knowledge, this variant has not been reported in the literature or in a large population database, indicating this variant is rare. At this time, the clinical significance of this variant is uncertain due to the absence of conclusive functional and genetic evidence.

NM_001144967.3(NEDD4L):c.450G>T (p.Met150Ile)

Gene: NEDD4L (NEDD4 like E3 ubiquitin protein ligase; plus strand). Cytogenetic location: 18q21.31.
Variant type: single nucleotide variant.
Coding change: c.450G>T on transcript NM_001144967.3 (MANE Select); coding-DNA position 450, G replaced by T.
Protein change: p.Met150Ile; replaces methionine 150 with isoleucine.
Molecular consequence: missense variant.
Genome position (GRCh38, 1-based): chr18:58,323,271, G>T. VCF-style: chr18-58323271-G-T. GRCh37 (hg19) VCF-style: chr18-55990503-G-T.
Other names: c.450G>T (NM_015277.5); c.87G>T, p.Met29Ile (NM_001144964.1, NM_001144965.2, NM_001144966.3 and 2 more transcripts); c.426G>T, p.Met142Ile (NM_001144968.2, NM_001144969.2); c.450G>T, p.Met150Ile (NM_001243960.2, NM_015277.6); short protein forms M142I, M150I, M29I.
Identifiers: ClinVar variation 1022973 (VCV001022973.11), dbSNP rs2059009305, ClinGen allele CA402551984.
Genomic context (GRCh38, chr18:58,323,271, plus strand): 5'-TTTCTTCCATTATGTGTGCAGTCATAAGTCTCGAGTTAAGGGATTTTTGCGATTGAAAAT[G>T]GCCTATATGCCAAAAAATGGAGGTCAAGATGAAGAAAACAGTGACCAGAGGGATGACATG-3'
Protein context (NP_001138439.1, residues 140-160): SRVKGFLRLK[Met150Ile]AYMPKNGGQD